The following is an entry in ClinVar:

ClinVar aggregate classification (germline): Uncertain significance (1 of 4 stars; one submission).

Conditions:
Inborn genetic diseases. Identifiers: MedGen C0950123, MeSH D030342.

gnomAD v4.1: 1 of 1,613,678 alleles (0.000062%); highest among the groups gnomAD compares: Non-Finnish European, 0.000085%; no homozygotes.

Submission:

Ambry Genetics
Classification: Uncertain significance for Inborn genetic diseases. Last evaluated: 2025-09-19. Review status: criteria provided, single submitter. Criteria: Ambry Variant Classification Scheme 2023. Collection method: clinical testing. Allele origin: germline.
Comment: The p.Q937P variant (also known as c.2810A>C), located in coding exon 1 of the SAMD9 gene, results from an A to C substitution at nucleotide position 2810. The glutamine at codon 937 is replaced by proline, an amino acid with similar properties. This amino acid position is conserved. In addition, the in silico prediction for this alteration is inconclusive. Based on the available evidence, the clinical significance of this variant remains unclear.

NM_017654.4(SAMD9):c.2810A>C (p.Gln937Pro)

Gene: SAMD9 (sterile alpha motif domain containing 9; minus strand). Cytogenetic location: 7q21.2.
Variant type: single nucleotide variant.
Coding change: c.2810A>C on transcript NM_017654.4 (MANE Select); coding-DNA position 2810, A replaced by C.
Protein change: p.Gln937Pro; replaces glutamine 937 with proline.
Molecular consequence: missense variant.
Genome position (GRCh38, 1-based): chr7:93,103,288, T>G on the plus strand (A>C on the coding strand, the complement: SAMD9 is on the minus strand). VCF-style: chr7-93103288-T-G. GRCh37 (hg19) VCF-style: chr7-92732601-T-G.
Other names: c.2810A>C, p.Gln937Pro (NM_001193307.2); short protein forms Q937P.
Identifiers: ClinVar variation 4629804 (VCV004629804.1).
Genomic context (GRCh38, chr7:93,103,288, plus strand): 5'-TCAAATTTTTCTGTCCCCCAGAAAGCCTTCTTGTTTCCAATTCCTAAGAATTTTTCACAC[T>G]GTGATAGTGAAATGGTGGTATCAGGCACATATGAATTAAGAAGAGCCAGAAAAGAAAAGA-3'
Protein context (NP_060124.2, residues 927-947): YVPDTTISLS[Gln937Pro]CEKFLGIGNK